The following is an entry in ClinVar:

ClinVar aggregate classification (germline): Uncertain significance. Review status: criteria provided, multiple submitters, no conflicts (2 of 4 stars). 3 submissions from 3 submitters: Uncertain significance (2). 1 of the submissions does not count toward it. Last evaluated 2025-06-09.

Conditions:
Inborn genetic diseases. Identifiers: MedGen C0950123, MeSH D030342.
Long chain 3-hydroxyacyl-CoA dehydrogenase deficiency. Also called: Deficiency of long-chain 3-hydroxyacyl-coenzyme A dehydrogenase; LCHAD Deficiency. Identifiers: Orphanet 5, MedGen C3711645, MONDO:0012173, OMIM 609016.
Deficiency of hydroxymethylglutaryl-CoA lyase (HMGCLD). Also called: HMGCL DEFICIENCY; HYDROXYMETHYLGLUTARIC ACIDURIA; Defect in leucine metabolism; 3-hydroxy-3-methylglutaric aciduria; HMG-CoA LYASE DEFICIENCY. Identifiers: Orphanet 20, MedGen C1533587, MONDO:0009520, OMIM 246450.

Allele frequency attached by ClinVar (database versions not stated): gnomAD 0.00001; gnomAD exomes 0.00001 and 0.00002; TOPMed 0.00001; ExAC 0.00002.
gnomAD v4.1: 25 of 1,613,200 alleles (0.0015%); highest among the groups gnomAD compares: South Asian, 0.0066%; no homozygotes.

Submissions (3):

Ambry Genetics
Classification: Uncertain significance for Inborn genetic diseases. Last evaluated: 2025-06-09. Review status: criteria provided, single submitter. Criteria: Ambry Variant Classification Scheme 2023. Collection method: clinical testing. Allele origin: germline.

Labcorp Genetics (formerly Invitae), Labcorp
Classification: Uncertain significance for Deficiency of hydroxymethylglutaryl-CoA lyase. Last evaluated: 2022-06-27. Review status: criteria provided, single submitter. Criteria: Invitae Variant Classification Sherloc (09022015). Collection method: clinical testing. Allele origin: germline.
Comment: This sequence change replaces valine, which is neutral and non-polar, with isoleucine, which is neutral and non-polar, at codon 168 of the HMGCL protein (p.Val168Ile). This variant is present in population databases (rs759288306, gnomAD 0.006%). This variant has not been reported in the literature in individuals affected with HMGCL-related conditions. ClinVar contains an entry for this variant (Variation ID: 663224). Algorithms developed to predict the effect of missense changes on protein structure and function output the following: SIFT: "Deleterious"; PolyPhen-2: "Benign"; Align-GVGD: "Class C25". The isoleucine amino acid residue is found in multiple mammalian species, which suggests that this missense change does not adversely affect protein function. In summary, the available evidence is currently insufficient to determine the role of this variant in disease. Therefore, it has been classified as a Variant of Uncertain Significance.

Natera, Inc.
Classification: Uncertain significance for Deficiency of long-chain 3-hydroxyacyl-coenzyme A dehydrogenase. Last evaluated: 2020-10-27. Review status: no assertion criteria provided. Collection method: clinical testing. Allele origin: germline. Not counted in ClinVar's aggregate classification.

NM_000191.3(HMGCL):c.502G>A (p.Val168Ile)

Gene: HMGCL (3-hydroxy-3-methylglutaryl-CoA lyase; minus strand). Cytogenetic location: 1p36.11.
Variant type: single nucleotide variant.
Coding change: c.502G>A on transcript NM_000191.3 (MANE Select); coding-DNA position 502, G replaced by A.
Protein change: p.Val168Ile; replaces valine 168 with isoleucine.
Molecular consequence: missense variant. On other transcripts: intron variant (1).
Genome position (GRCh38, 1-based): chr1:23,810,795, C>T on the plus strand (G>A on the coding strand, the complement: HMGCL is on the minus strand). VCF-style: chr1-23810795-C-T. GRCh37 (hg19) VCF-style: chr1-24137285-C-T.
Other names: c.349-2472G>A (NM_001166059.2); short protein forms V168I.
Identifiers: ClinVar variation 663224 (VCV000663224.7), dbSNP rs759288306, ClinGen allele CA686068.